The following is an entry in ClinVar:

NM_002693.3(POLG):c.3604A>T (p.Asn1202Tyr)

Gene: POLG (DNA polymerase gamma, catalytic subunit; minus strand). Cytogenetic location: 15q26.1.
Variant type: single nucleotide variant.
Coding change: c.3604A>T on transcript NM_002693.3 (MANE Select); coding-DNA position 3604, A replaced by T.
Protein change: p.Asn1202Tyr; replaces asparagine 1202 with tyrosine.
Molecular consequence: missense variant.
Genome position (GRCh38, 1-based): chr15:89,317,415, T>A on the plus strand (A>T on the coding strand, the complement: POLG is on the minus strand). VCF-style: chr15-89317415-T-A. GRCh37 (hg19) VCF-style: chr15-89860646-T-A.
Other names: c.3604A>T, p.Asn1202Tyr (NM_001126131.2); short protein forms N1202Y.
Identifiers: ClinVar variation 1346334 (VCV001346334.8), dbSNP rs2152056248, ClinGen allele CA393747337.

ClinVar aggregate classification (germline): Uncertain significance (1 of 4 stars; one submission).

Conditions:
Progressive sclerosing poliodystrophy (MTDPS4A). Also called: NEURONAL DEGENERATION OF CHILDHOOD WITH LIVER DISEASE, PROGRESSIVE; Alpers Syndrome; ALPERS DIFFUSE DEGENERATION OF CEREBRAL GRAY MATTER WITH HEPATIC CIRRHOSIS; Alpers-Huttenlocher Syndrome; Mitochondrial DNA depletion syndrome 4A (Alpers type); Mitochondrial DNA Depletion Syndrome 4A. Identifiers: Orphanet 726, MedGen C0205710, MONDO:0008758, OMIM 203700.

Submission:

Labcorp Genetics (formerly Invitae), Labcorp
Classification: Uncertain significance for Progressive sclerosing poliodystrophy. Last evaluated: 2020-11-11. Review status: criteria provided, single submitter. Criteria: Invitae Variant Classification Sherloc (09022015). Collection method: clinical testing. Allele origin: germline.
Comment: This variant is not present in population databases (ExAC no frequency). This variant has not been reported in the literature in individuals with POLG-related conditions. Algorithms developed to predict the effect of missense changes on protein structure and function are either unavailable or do not agree on the potential impact of this missense change (SIFT: "Deleterious"; PolyPhen-2: "Probably Damaging"; Align-GVGD: "Class C15"). In summary, the available evidence is currently insufficient to determine the role of this variant in disease. Therefore, it has been classified as a Variant of Uncertain Significance. This sequence change replaces asparagine with tyrosine at codon 1202 of the POLG protein (p.Asn1202Tyr). The asparagine residue is highly conserved and there is a large physicochemical difference between asparagine and tyrosine.